The following is an entry in ClinVar:

NM_017617.5(NOTCH1):c.4071C>A (p.Cys1357Ter)

Gene: NOTCH1 (notch receptor 1; minus strand). Cytogenetic location: 9q34.3.
Variant type: single nucleotide variant.
Coding change: c.4071C>A on transcript NM_017617.5 (MANE Select); coding-DNA position 4071, C replaced by A.
Protein change: p.Cys1357Ter; replaces cysteine 1357 with a stop codon.
Molecular consequence: nonsense.
Genome position (GRCh38, 1-based): chr9:136,505,825, G>T on the plus strand (C>A on the coding strand, the complement: NOTCH1 is on the minus strand). VCF-style: chr9-136505825-G-T. GRCh37 (hg19) VCF-style: chr9-139400277-G-T.
Other names: c.4071C>A, p.Cys1357Ter (LRG_1122t1); short protein forms C1357*.
Identifiers: ClinVar variation 566177 (VCV000566177.7), dbSNP rs1564191302, ClinGen allele CA375649962.

ClinVar aggregate classification (germline): Pathogenic (1 of 4 stars; one submission).

Conditions:
Adams-Oliver syndrome 5 (AOS5). Identifiers: Orphanet 974, MedGen C4014970, MONDO:0014459, OMIM 616028.

Submission:

Labcorp Genetics (formerly Invitae), Labcorp
Classification: Pathogenic for Adams-Oliver syndrome 5. Last evaluated: 2018-09-24. Review status: criteria provided, single submitter. Criteria: Invitae Variant Classification Sherloc (09022015). Collection method: clinical testing. Allele origin: germline.
Comment: This sequence change creates a premature translational stop signal (p.Cys1357*) in the NOTCH1 gene. It is expected to result in an absent or disrupted protein product. For these reasons, this variant has been classified as Pathogenic. Loss-of-function variants in NOTCH1 are known to be pathogenic (PMID: 16025100, 21457232, 25132448, 25963545). This variant has not been reported in the literature in individuals with NOTCH1-related disease. This variant is not present in population databases (ExAC no frequency).

Literature cited by the submitters: PubMed 16025100; PubMed 21457232; PubMed 25132448; PubMed 25963545.